The following is an entry in ClinVar:

NM_003036.4(SKI):c.193C>A (p.Pro65Thr)

Gene: SKI (SKI proto-oncogene; plus strand). Cytogenetic location: 1p36.33.
Variant type: single nucleotide variant.
Coding change: c.193C>A on transcript NM_003036.4 (MANE Select); coding-DNA position 193, C replaced by A.
Protein change: p.Pro65Thr; replaces proline 65 with threonine.
Molecular consequence: missense variant.
Genome position (GRCh38, 1-based): chr1:2,228,959, C>A. VCF-style: chr1-2228959-C-A. GRCh37 (hg19) VCF-style: chr1-2160398-C-A.
Other names: short protein forms P65T.
Identifiers: ClinVar variation 3954894 (VCV003954894.1).

ClinVar aggregate classification (germline): Uncertain significance (1 of 4 stars; one submission).

Conditions:
Familial thoracic aortic aneurysm and aortic dissection (TAAD). Also called: Thoracic aortic aneurysms and dissections. Identifiers: Orphanet 91387, MedGen C4707243, MONDO:0019625.

Submission:

Ambry Genetics
Classification: Uncertain significance for Familial thoracic aortic aneurysm and aortic dissection. Last evaluated: 2025-05-26. Review status: criteria provided, single submitter. Criteria: Ambry Variant Classification Scheme 2023. Collection method: clinical testing. Allele origin: germline.
Comment: The p.P65T variant (also known as c.193C>A), located in coding exon 1 of the SKI gene, results from a C to A substitution at nucleotide position 193. The proline at codon 65 is replaced by threonine, an amino acid with highly similar properties. This amino acid position is conserved. In addition, this alteration is predicted to be tolerated by in silico analysis. Based on the available evidence, the clinical significance of this variant remains unclear.